The following is an entry in ClinVar:

ClinVar aggregate classification (germline): Likely pathogenic (1 of 4 stars; one submission).

Conditions:
Intellectual developmental disorder with behavioral abnormalities and craniofacial dysmorphism with or without seizures. Identifiers: MedGen C5231476, MONDO:0032883, OMIM 618725.

Submission:

Medical Genetics Center, Maternal and Child Health Hospital of Hubei Province
Classification: Likely pathogenic for Intellectual developmental disorder with behavioral abnormalities and craniofacial dysmorphism with or without seizures. Last evaluated: 2021-02-28. Review status: criteria provided, single submitter. Criteria: ACMG Guidelines, 2015. Collection method: clinical testing. Allele origin: de novo. Affected: yes.
Comment: PVS1 + PM2

NM_001352027.3(PHF21A):c.612+1G>A

Gene: PHF21A (PHD finger protein 21A; minus strand). Cytogenetic location: 11p11.2.
Variant type: single nucleotide variant.
Coding change: c.612+1G>A on transcript NM_001352027.3 (MANE Select); the canonical splice donor site of the intron after coding-DNA position 612, G replaced by A.
Molecular consequence: splice donor variant. On other transcripts: intron variant (1).
Genome position (GRCh38, 1-based): chr11:45,971,115, C>T on the plus strand (G>A on the coding strand, the complement: PHF21A is on the minus strand). VCF-style: chr11-45971115-C-T. GRCh37 (hg19) VCF-style: chr11-45992666-C-T.
Other names: c.609+1G>A (NM_001352030.3); c.612+1G>A (NM_001441171.1, NM_001101802.3, NM_001352031.3 and 7 more transcripts); c.633+1G>A (NM_001441167.1, NM_001441168.1); c.361-1211G>A (NM_001441172.1); c.630+1G>A (NM_001441169.1).
Identifiers: ClinVar variation 4082284 (VCV004082284.1).